The following is an entry in ClinVar:

ClinVar aggregate classification (germline): Uncertain significance (1 of 4 stars; one submission).

gnomAD v4.1: 314 of 1,544,168 alleles (0.02%); highest among the groups gnomAD compares: Admixed American, 0.027%; 1 homozygote.

Submission:

GeneDx
Classification: Uncertain significance. Last evaluated: 2026-02-25. Review status: criteria provided, single submitter. Criteria: GeneDx Variant Classification Process June 2021. Collection method: clinical testing. Allele origin: germline.
Comment: In silico analysis suggests that this missense variant does not alter protein structure/function; Has not been previously published as pathogenic or benign to our knowledge

NM_001080453.3(INTS1):c.5473G>A (p.Glu1825Lys)

Gene: INTS1 (integrator complex subunit 1; minus strand). Cytogenetic location: 7p22.3.
Variant type: single nucleotide variant.
Coding change: c.5473G>A on transcript NM_001080453.3 (MANE Select); coding-DNA position 5473, G replaced by A.
Protein change: p.Glu1825Lys; replaces glutamic acid 1825 with lysine.
Molecular consequence: missense variant.
Genome position (GRCh38, 1-based): chr7:1,475,977, C>T on the plus strand (G>A on the coding strand, the complement: INTS1 is on the minus strand). VCF-style: chr7-1475977-C-T. GRCh37 (hg19) VCF-style: chr7-1515613-C-T.
Other names: short protein forms E1825K.
Identifiers: ClinVar variation 5010072 (VCV005010072.1).